The following is an entry in ClinVar:

ClinVar aggregate classification (germline): Uncertain significance. Review status: criteria provided, multiple submitters, no conflicts (2 of 4 stars). 3 submissions from 3 submitters: Uncertain significance (3). Last evaluated 2023-08-14.

Conditions:
Inborn genetic diseases. Identifiers: MedGen C0950123, MeSH D030342.

Allele frequency attached by ClinVar (database versions not stated): gnomAD exomes 0.00001 and 0.00002; gnomAD 0.00003.
gnomAD v4.1: 29 of 1,609,760 alleles (0.0018%); highest among the groups gnomAD compares: Non-Finnish European, 0.0021%; no homozygotes.

Submissions (3):

Ambry Genetics
Classification: Uncertain significance for Inborn genetic diseases. Last evaluated: 2023-08-14. Review status: criteria provided, single submitter. Criteria: Ambry Variant Classification Scheme 2023. Collection method: clinical testing. Allele origin: germline.

CeGaT Center for Human Genetics Tuebingen
Classification: Uncertain significance. Last evaluated: 2023-07-01. Review status: criteria provided, single submitter. Criteria: CeGaT Center For Human Genetics Tuebingen Variant Classification Criteria Version 2. Collection method: clinical testing. Allele origin: germline. Affected: yes. Observed: 2 variant alleles.
Comment: MYO15A: PM2, PP3, PP4

GeneDx
Classification: Uncertain significance. Last evaluated: 2019-10-23. Review status: criteria provided, single submitter. Criteria: GeneDx Variant Classification Process June 2021. Collection method: clinical testing. Allele origin: germline. Affected: yes.
Comment: Not observed in large population cohorts (Lek et al., 2016); In silico analysis, which includes protein predictors and evolutionary conservation, supports that this variant does not alter protein structure/function; Has not been previously published as pathogenic or benign to our knowledge

NM_016239.4(MYO15A):c.526T>C (p.Ser176Pro)

Gene: MYO15A (myosin XVA; plus strand). Cytogenetic location: 17p11.2.
Variant type: single nucleotide variant.
Coding change: c.526T>C on transcript NM_016239.4 (MANE Select); coding-DNA position 526, T replaced by C.
Protein change: p.Ser176Pro; replaces serine 176 with proline.
Molecular consequence: missense variant.
Genome position (GRCh38, 1-based): chr17:18,119,326, T>C. VCF-style: chr17-18119326-T-C. GRCh37 (hg19) VCF-style: chr17-18022640-T-C.
Other names: short protein forms S176P.
Identifiers: ClinVar variation 1309669 (VCV001309669.29), dbSNP rs933766276, ClinGen allele CA288385714.